The following is an entry in ClinVar:

NM_004415.4(DSP):c.6432A>T (p.Pro2144=)

Gene: DSP (desmoplakin; plus strand). Cytogenetic location: 6p24.3.
Variant type: single nucleotide variant.
Coding change: c.6432A>T on transcript NM_004415.4 (MANE Select); coding-DNA position 6432, A replaced by T.
Protein change: p.Pro2144=; no amino-acid change (proline 2144 retained).
Molecular consequence: synonymous variant.
Genome position (GRCh38, 1-based): chr6:7,583,694, A>T. VCF-style: chr6-7583694-A-T. GRCh37 (hg19) VCF-style: chr6-7583927-A-T.
Other names: c.4635A>T, p.Pro1545= (NM_001008844.3); c.5103A>T, p.Pro1701= (NM_001319034.2).
Identifiers: ClinVar variation 925905 (VCV000925905.10), dbSNP rs773730187, ClinGen allele CA047643.
Genomic context (GRCh38, chr6:7,583,694, plus strand): 5'-GCTGGAAGCCCAGATTGCTTCAGGGGGTGTAGTAGACCCTGTGAACAGTGTCTTTTTGCC[A>T]AAAGATGTCGCCTTGGCCCGGGGGCTGATTGATAGAGATTTGTATCGATCCCTGAATGAT-3'
Protein context (NP_004406.2, residues 2134-2154): VVDPVNSVFL[Pro2144=]KDVALARGLI

ClinVar aggregate classification (germline): Likely benign. Review status: criteria provided, multiple submitters, no conflicts (2 of 4 stars). 3 submissions from 3 submitters: Likely benign (3). Last evaluated 2026-01-19.

Conditions:
Cardiomyopathy (CMYO). Also called: Cardiomyopathies. Identifiers: Orphanet 167848, MedGen C0878544, MONDO:0004994, HP:0001638. Inheritance: Various modes of inheritance.
Arrhythmogenic right ventricular dysplasia 8 (ARVD8). Also called: Arrhythmogenic Right Ventricular Dysplasia/Cardiomyopathy 8; ARRHYTHMOGENIC RIGHT VENTRICULAR DYSPLASIA, FAMILIAL, 8; ARRHYTHMOGENIC RIGHT VENTRICULAR CARDIOMYOPATHY 8. Identifiers: MedGen C1843896, MONDO:0011831, OMIM 607450.
Arrhythmogenic cardiomyopathy with wooly hair and keratoderma. Also called: PALMOPLANTAR KERATODERMA WITH LEFT VENTRICULAR CARDIOMYOPATHY AND WOOLLY HAIR; Carvajal syndrome; Dilated cardiomyopathy with woolly hair and keratoderma; Arrhythmogenic cardiomyopathy with woolly hair and keratoderma. Identifiers: Orphanet 65282, MedGen C1854063, MONDO:0011581, OMIM 605676.
Cardiovascular phenotype. Identifiers: MedGen CN230736.

Allele frequency attached by ClinVar (database versions not stated): ExAC 0.00003.
gnomAD v4.1: 27 of 1,614,134 alleles (0.0017%); highest among the groups gnomAD compares: Non-Finnish European, 0.0023%; no homozygotes.

Submissions (3):

Labcorp Genetics (formerly Invitae), Labcorp
Classification: Likely benign for Arrhythmogenic cardiomyopathy with wooly hair and keratoderma; Arrhythmogenic right ventricular dysplasia 8. Last evaluated: 2026-01-19. Review status: criteria provided, single submitter. Criteria: Invitae Variant Classification Sherloc (09022015). Collection method: clinical testing. Allele origin: germline.

Ambry Genetics
Classification: Likely benign for Cardiovascular phenotype. Last evaluated: 2020-10-28. Review status: criteria provided, single submitter. Criteria: Ambry Variant Classification Scheme 2023. Collection method: clinical testing. Allele origin: germline.

Color Diagnostics, LLC DBA Color Health
Classification: Likely benign for Cardiomyopathy. Last evaluated: 2019-02-25. Review status: criteria provided, single submitter. Criteria: ACMG Guidelines, 2015. Collection method: clinical testing. Allele origin: germline.
Comment: Variant of Uncertain Significance due to insufficient evidence: This synonymous variant does not change the amino acid sequence of the DSP protein. However, computational splicing tools suggest that this variant may disrupt RNA splicing. To our knowledge, functional assays have not been performed for this variant nor has this variant been reported in individuals affected with cardiovascular disorders in the literature. This variant has been identified in 5/246070 chromosomes in the general population by the Genome Aggregation Database (gnomAD). Available evidence is insufficient to determine the role of this variant in disease conclusively.